The following is an entry in ClinVar:

NM_001999.4(FBN2):c.5174A>T (p.Gln1725Leu)

Gene: FBN2 (fibrillin 2; minus strand). Cytogenetic location: 5q23.3.
Variant type: single nucleotide variant.
Coding change: c.5174A>T on transcript NM_001999.4 (MANE Select); coding-DNA position 5174, A replaced by T.
Protein change: p.Gln1725Leu; replaces glutamine 1725 with leucine.
Molecular consequence: missense variant.
Genome position (GRCh38, 1-based): chr5:128,310,009, T>A on the plus strand (A>T on the coding strand, the complement: FBN2 is on the minus strand). VCF-style: chr5-128310009-T-A. GRCh37 (hg19) VCF-style: chr5-127645701-T-A.
Other names: c.5174A>T (NM_001999.3); short protein forms Q1725L.
Identifiers: ClinVar variation 1410749 (VCV001410749.9), dbSNP rs1402545685, ClinGen allele CA360744386.

ClinVar aggregate classification (germline): Uncertain significance. Review status: criteria provided, multiple submitters, no conflicts (2 of 4 stars). 3 submissions from 3 submitters: Uncertain significance (3). Last evaluated 2026-04-14.

Conditions:
Familial thoracic aortic aneurysm and aortic dissection (TAAD). Also called: Thoracic aortic aneurysms and dissections. Identifiers: Orphanet 91387, MedGen C4707243, MONDO:0019625.
Congenital contractural arachnodactyly (CCA). Also called: Arthrogryposis, distal, type 9; BEALS SYNDROME; Beals-Hecht syndrome. Identifiers: Orphanet 115, MedGen C0220668, MONDO:0007363, OMIM 121050.

Allele frequency attached by ClinVar (database versions not stated): gnomAD exomes 0.00001; TOPMed 0.00001.
gnomAD v4.1: 16 of 1,613,962 alleles (0.00099%); highest among the groups gnomAD compares: Non-Finnish European, 0.0013%; no homozygotes.

Submissions (3):

GeneDx
Classification: Uncertain significance. Last evaluated: 2026-04-14. Review status: criteria provided, single submitter. Criteria: GeneDx Variant Classification Process June 2021. Collection method: clinical testing. Allele origin: germline.
Comment: Not observed at significant frequency in large population cohorts (gnomAD); In silico analysis supports that this missense variant has a deleterious effect on protein structure/function; Has not been previously published as pathogenic or benign to our knowledge; Although located in a calcium-binding EGF-like domain of the FBN2 gene, it does not substitute or introduce a cysteine residue (PMID: 19006240, 18767143); This variant is associated with the following publications: (PMID: 19006240, 18767143)

Ambry Genetics
Classification: Uncertain significance for Familial thoracic aortic aneurysm and aortic dissection. Last evaluated: 2026-02-19. Review status: criteria provided, single submitter. Criteria: Ambry Variant Classification Scheme 2023. Collection method: clinical testing. Allele origin: germline.
Comment: The p.Q1725L variant (also known as c.5174A>T), located in coding exon 40 of the FBN2 gene, results from an A to T substitution at nucleotide position 5174. The glutamine at codon 1725 is replaced by leucine, an amino acid with dissimilar properties. This amino acid position is conserved. In addition, this alteration is predicted to be deleterious by in silico analysis. Based on the available evidence, the clinical significance of this variant remains unclear.

Labcorp Genetics (formerly Invitae), Labcorp
Classification: Uncertain significance for Congenital contractural arachnodactyly. Last evaluated: 2022-01-03. Review status: criteria provided, single submitter. Criteria: Invitae Variant Classification Sherloc (09022015). Collection method: clinical testing. Allele origin: germline.
Comment: This variant is present in population databases (no rsID available, gnomAD 0.002%). In summary, the available evidence is currently insufficient to determine the role of this variant in disease. Therefore, it has been classified as a Variant of Uncertain Significance. Advanced modeling of protein sequence and biophysical properties (such as structural, functional, and spatial information, amino acid conservation, physicochemical variation, residue mobility, and thermodynamic stability) performed at Invitae indicates that this missense variant is not expected to disrupt FBN2 protein function. This variant has not been reported in the literature in individuals affected with FBN2-related conditions. This sequence change replaces glutamine, which is neutral and polar, with leucine, which is neutral and non-polar, at codon 1725 of the FBN2 protein (p.Gln1725Leu).